The following is an entry in ClinVar:

ClinVar aggregate classification (germline): Uncertain significance (1 of 4 stars; one submission).

Conditions:
MHC class II deficiency. Also called: Bare lymphocyte syndrome 2; BLS, TYPE II. Identifiers: Orphanet 572, MedGen C5447452, MONDO:0008855.

Allele frequency attached by ClinVar (database versions not stated): gnomAD exomes below 0.00001.
gnomAD v4.1: 1 of 1,569,514 alleles (0.000064%); highest among the groups gnomAD compares: Non-Finnish European, 0.000087%; no homozygotes.

Submission:

Labcorp Genetics (formerly Invitae), Labcorp
Classification: Uncertain significance for MHC class II deficiency. Last evaluated: 2019-06-04. Review status: criteria provided, single submitter. Criteria: Invitae Variant Classification Sherloc (09022015). Collection method: clinical testing. Allele origin: germline.
Comment: In summary, the available evidence is currently insufficient to determine the role of this variant in disease. Therefore, it has been classified as a Variant of Uncertain Significance. Algorithms developed to predict the effect of missense changes on protein structure and function are either unavailable or do not agree on the potential impact of this missense change (SIFT: "Tolerated"; PolyPhen-2: "Probably Damaging"; Align-GVGD: "Class C0"). This variant has not been reported in the literature in individuals with RFX5-related conditions. This variant is not present in population databases (ExAC no frequency). This sequence change replaces cysteine with serine at codon 107 of the RFX5 protein (p.Cys107Ser). The cysteine residue is highly conserved and there is a moderate physicochemical difference between cysteine and serine.

NM_001025603.2(RFX5):c.320G>C (p.Cys107Ser)

Gene: RFX5 (regulatory factor X5; minus strand). Cytogenetic location: 1q21.3.
Variant type: single nucleotide variant.
Coding change: c.320G>C on transcript NM_001025603.2 (MANE Select); coding-DNA position 320, G replaced by C.
Protein change: p.Cys107Ser; replaces cysteine 107 with serine.
Molecular consequence: missense variant. On other transcripts: intron variant (2).
Genome position (GRCh38, 1-based): chr1:151,344,761, C>G on the plus strand (G>C on the coding strand, the complement: RFX5 is on the minus strand). VCF-style: chr1-151344761-C-G. GRCh37 (hg19) VCF-style: chr1-151317237-C-G.
Other names: c.320G>C, p.Cys107Ser (NM_000449.4, NM_001379412.1, NM_001379413.1 and 5 more transcripts); c.234-225G>C (NM_001379419.1, NM_001379420.1); short protein forms C107S.
Identifiers: ClinVar variation 938330 (VCV000938330.9), dbSNP rs1309670347, ClinGen allele CA341942615.